The following is an entry in ClinVar:

ClinVar aggregate classification (germline): Pathogenic. Review status: criteria provided, multiple submitters, no conflicts (2 of 4 stars). 21 submissions from 21 submitters: Pathogenic (17). 4 of the submissions do not count toward it. Last evaluated 2026-03-27.

Conditions:
Isolated focal cortical dysplasia type II (FCORD2). Also called: Focal cortical dysplasia type II; CORTICAL DYSPLASIA OF TAYLOR. Identifiers: Orphanet 268994, MedGen C1846385, MONDO:0011818, OMIM 607341, HP:0032051.
Tuberous sclerosis 2 (TSC2). Identifiers: Orphanet 805, MedGen C1860707, MONDO:0013199, OMIM 613254.
Lymphangiomyomatosis (LAM). Also called: Lymphangioleiomyomatosis, somatic; Lymphangioleiomyomatosis. Identifiers: Orphanet 538, MedGen C0751674, MONDO:0011705, OMIM 606690.
TSC2-related disorder. Also called: TSC2-related condition; TSC2-Related Disorders.
Hereditary cancer-predisposing syndrome. Also called: Neoplastic Syndromes, Hereditary; Tumor predisposition; Hereditary Cancer Syndrome; Hereditary neoplastic syndrome. Identifiers: Orphanet 140162, MedGen C0027672, MeSH D009386, MONDO:0015356.
Tuberous sclerosis syndrome (TSC). Also called: Tuberous sclerosis; Tuberous Sclerosis Complex. Identifiers: Orphanet 805, MedGen C0041341, MONDO:0001734.

Allele frequency attached by ClinVar (database versions not stated): gnomAD exomes below 0.00001.
gnomAD v4.1: 1 of 1,613,820 alleles (0.000062%); highest among the groups gnomAD compares: Non-Finnish European, 0.000085%; no homozygotes.

Submissions 1 to 8 of 21:

Clinical Genomics Laboratory, Washington University in St. Louis
Classification: Pathogenic for Lymphangiomyomatosis; Tuberous sclerosis 2. Last evaluated: 2026-03-27. Review status: criteria provided, single submitter. Criteria: Leon-Quintero et al. (Clin Genet. 2025). Collection method: clinical testing. Allele origin: somatic. Affected: yes.
Comment: A TSC2 c.2713C>T (p.Arg905Trp) variant was identified at an allelic fraction consistent with somatic origin. The TSC2 c.2713C>T (p.Arg905Trp) variant has been reported in the literature in multiple individuals affected with tuberous sclerosis in a germline state and was identified in both a de novo state but also segregated in families (Yamamoto T et al., PMID: 12015165; Jansen A et al., PMID: 17120248; Hoogeveen-Westerveld M et al., PMID: 22903760; Au K et al. PMID: 9463313). This variant has also been reported in the ClinVar database as a germline pathogenic variant by several submitters (Variation ID: 12404). It is only observed in 1/1,613,820 alleles in the general population (gnomAD v4.1.0), indicating it is not a common variant. Computational predictors indicate that the variant is damaging, evidence that correlates with impact to TSC2 function. In support of this prediction, functional studies in vitro and in vivo demonstrate that this variant disrupts tuberin activity thereby disrupting the TSC1-TSC2 complex, and its inhibitory regulation of the mTOR signaling pathway (Jansen A et al., PMID: 17120248; Hoogeveen-Westerveld M et al., PMID: 21309039). Other variants in the same codon, c.2713C>G (p.Arg905Gly) and c.2714G>A (p.Arg905Gln) have been reported in multiple individuals affected with tuberous sclerosis and are considered pathogenic/likely pathogenic (Yamamoto T, PMID: 12015165; Hoogeveen-Westerveld M et al., PMID: 21309039; Variation ID: 12403 and 12405). Based on the available information and an internally developed protocol informed by the ACMG/AMP guidelines for variant interpretation and gene-specific practices from the ClinGen Criteria Specification Registry (Leon-Quintero FZ et al., PMID: 39434542), the TSC2 c.2713C>T (p.Arg905Trp) variant is classified as pathogenic.

Women's Health and Genetics/Laboratory Corporation of America, LabCorp
Classification: Pathogenic for Tuberous sclerosis syndrome. Last evaluated: 2025-09-08. Review status: criteria provided, single submitter. Criteria: LabCorp Variant Classification Summary - May 2015. Collection method: clinical testing. Allele origin: germline.
Comment: Variant summary: TSC2 c.2713C>T (p.Arg905Trp) results in a non-conservative amino acid change in the encoded protein sequence. Algorithms developed to predict the effect of missense changes on protein structure and function all suggest that this variant is likely to be disruptive. The variant was absent in 250752 control chromosomes (gnomAD). c.2713C>T has been observed in multiple individuals affected with Tuberous Sclerosis Complex (e.g., Jansen_2006). These data indicate that the variant is very likely to be associated with disease. The following publication has been ascertained in the context of this evaluation (PMID: 17120248). ClinVar contains an entry for this variant (Variation ID: 12404). Based on the evidence outlined above, the variant was classified as pathogenic.

PreventionGenetics, part of Exact Sciences
Classification: Pathogenic for TSC2-related condition. Last evaluated: 2025-06-17. Review status: criteria provided, single submitter. Criteria: ACMG Guidelines, 2015. Collection method: clinical testing. Allele origin: germline.
Comment: The TSC2 c.2713C>T variant is predicted to result in the amino acid substitution p.Arg905Trp. This variant has been reported in multiple individuals with tuberous sclerosis (Bleyer et al. 2022. PubMed ID: 35325889; Yang et al. 2022. PubMed ID: 35429229; Au et al. 1998. PubMed ID: 9463313). Experimental assays show this variant impairs protein function (Jansen et al. 2006. PubMed ID: 17120248; Hoogeveen-Westerveld et al. 2011. PubMed ID: 21309039). In addition, other variants affecting this amino acid residue, p.Arg905Gly and p.Arg905Gln, have been established as pathogenic (Jansen et al. 2006. PubMed ID: 17120248; Hoogeveen-Westerveld et al. 2011. PubMed ID: 21309039). This variant has not been reported in a large population database (gnomAD), indicating this variant is rare. This variant is classified as pathogenic in ClinVar. This variant is interpreted as pathogenic.

Labcorp Genetics (formerly Invitae), Labcorp
Classification: Pathogenic for Tuberous sclerosis 2. Last evaluated: 2025-02-26. Review status: criteria provided, single submitter. Criteria: Invitae Variant Classification Sherloc (09022015). Collection method: clinical testing. Allele origin: germline.
Comment: This sequence change replaces arginine, which is basic and polar, with tryptophan, which is neutral and slightly polar, at codon 905 of the TSC2 protein (p.Arg905Trp). This variant is not present in population databases (gnomAD no frequency). This missense change has been observed in individual(s) with tuberous sclerosis complex (PMID: 9463313, 12015165, 17120248, 19259131, 22867869). In at least one individual the variant was observed to be de novo. ClinVar contains an entry for this variant (Variation ID: 12404). Invitae Evidence Modeling of protein sequence and biophysical properties (such as structural, functional, and spatial information, amino acid conservation, physicochemical variation, residue mobility, and thermodynamic stability) has been performed for this missense variant. However, the output from this modeling did not meet the statistical confidence thresholds required to predict the impact of this variant on TSC2 protein function. Experimental studies have shown that this missense change affects TSC2 function (PMID: 21309039). Algorithms developed to predict the effect of sequence changes on RNA splicing suggest that this variant may disrupt the consensus splice site. This variant disrupts the p.Arg905 amino acid residue in TSC2. Other variant(s) that disrupt this residue have been determined to be pathogenic (PMID: 9829910, 17120248, 22867869, 25432535). This suggests that this residue is clinically significant, and that variants that disrupt this residue are likely to be disease-causing. For these reasons, this variant has been classified as Pathogenic.

3billion
Classification: Pathogenic for Tuberous sclerosis 2. Last evaluated: 2024-09-04. Review status: criteria provided, single submitter. Criteria: ACMG Guidelines, 2015. Collection method: clinical testing. Allele origin: germline. Affected: yes.
Comment: The variant is observed at an extremely low frequency in the gnomAD v4.0.0 dataset (total allele frequency: <0.001%). Predicted Consequence/Location: The majority of the known disease-causing variants of this gene are variants expected to result in premature termination of the protein. In silico tool predictions suggest damaging effect of the variant on gene or gene product [REVEL: 0.93 (>=0.6, sensitivity 0.68 and specificity 0.92); 3Cnet: 0.91 (>=0.6, sensitivity 0.72 and precision 0.9)]. The same nucleotide change resulting in the same amino acid change has been previously reported as pathogenic/likely pathogenic with strong evidence (ClinVar ID: VCV000012404 /PMID: 9463313). The variant has been observed in multiple (>3) similarly affected unrelated individuals (PMID: 17120248, 29196670). Different missense changes at the same codon (p.Arg905Gln, p.Arg905Gly) have been reported as pathogenic/likely pathogenic with strong evidence (ClinVar ID: VCV000012403, VCV000012405 /PMID: 12015165, 9829910). Therefore, this variant is classified as Pathogenic according to the recommendation of ACMG/AMP guideline.

Mayo Clinic Laboratories, Mayo Clinic
Classification: Pathogenic. Last evaluated: 2024-08-19. Review status: criteria provided, single submitter. Criteria: ACMG Guidelines, 2015. Collection method: clinical testing. Allele origin: germline.
Comment: PP3, PP4, PM2, PM5, PM6, PS3, PS4_moderate

Blueprint Genetics
Classification: Pathogenic for TSC2-related disorders. Last evaluated: 2023-09-18. Review status: criteria provided, single submitter. Criteria: ACMG Guidelines, 2015. Collection method: clinical testing. Allele origin: germline. Affected: yes. Observed: 1 variant allele.

Myriad Genetics, Inc.
Classification: Pathogenic for Tuberous sclerosis 2. Last evaluated: 2023-03-22. Review status: criteria provided, single submitter. Criteria: Myriad Autosomal Dominant, Autosomal Recessive and X-Linked Classification Criteria (2023). Collection method: clinical testing. Allele origin: unknown.
Comment: This variant is considered pathogenic. This variant has been reported in multiple individuals with clinical features of gene-specific disease [PMID: 17120248, 29458892, 32917966, 14641237, 29196670]. Functional studies indicate this variant impacts protein function [PMID: 17120248, 21309039]. This variant is expected to disrupt protein structure [Myriad internal data].

NM_000548.5(TSC2):c.2713C>T (p.Arg905Trp)

Gene: TSC2 (TSC complex subunit 2; plus strand). Cytogenetic location: 16p13.3.
Variant type: single nucleotide variant.
Coding change: c.2713C>T on transcript NM_000548.5 (MANE Select); coding-DNA position 2713, C replaced by T.
Protein change: p.Arg905Trp; replaces arginine 905 with tryptophan.
Molecular consequence: missense variant.
Genome position (GRCh38, 1-based): chr16:2,076,141, C>T. VCF-style: chr16-2076141-C-T. GRCh37 (hg19) VCF-style: chr16-2126142-C-T.
Other names: c.2713C>T, p.Arg905Trp (NM_001077183.3, NM_001114382.3, NM_001363528.2 and 3 more transcripts); c.2602C>T, p.Arg868Trp (NM_001318827.2); c.2566C>T, p.Arg856Trp (NM_001318829.2); c.2113C>T, p.Arg705Trp (NM_001318831.2); c.2746C>T, p.Arg916Trp (NM_001318832.2); short protein forms R905W, R868W, R916W, R856W, R705W.
Identifiers: ClinVar variation 12404 (VCV000012404.44), dbSNP rs45517258, ClinGen allele CA017942.